The following is an entry in ClinVar:

NM_002485.5(NBN):c.1056A>G (p.Leu352=)

Gene: NBN (nibrin; minus strand). Cytogenetic location: 8q21.3.
Variant type: single nucleotide variant.
Coding change: c.1056A>G on transcript NM_002485.5 (MANE Select); coding-DNA position 1056, A replaced by G.
Protein change: p.Leu352=; no amino-acid change (leucine 352 retained).
Molecular consequence: synonymous variant.
Genome position (GRCh38, 1-based): chr8:89,958,793, T>C on the plus strand (A>G on the coding strand, the complement: NBN is on the minus strand). VCF-style: chr8-89958793-T-C. GRCh37 (hg19) VCF-style: chr8-90971021-T-C.
Other names: c.810A>G, p.Leu270= (NM_001024688.3).
Identifiers: ClinVar variation 231307 (VCV000231307.24), dbSNP rs369092711, ClinGen allele CA4802812.

ClinVar aggregate classification (germline): Benign/Likely benign. Review status: criteria provided, multiple submitters, no conflicts (2 of 4 stars). 6 submissions from 6 submitters: Benign (1); Likely benign (4). 1 of the submissions does not count toward it. Last evaluated 2025-07-29.

Conditions:
Hereditary cancer-predisposing syndrome. Also called: Hereditary Cancer Syndrome; Neoplastic Syndromes, Hereditary; Tumor predisposition; Hereditary neoplastic syndrome. Identifiers: Orphanet 140162, MedGen C0027672, MeSH D009386, MONDO:0015356.
Microcephaly, normal intelligence and immunodeficiency (NBS). Also called: BERLIN BREAKAGE SYNDROME; Ataxia telangiectasia variant V1; IMMUNODEFICIENCY, MICROCEPHALY, AND CHROMOSOMAL INSTABILITY; SEEMANOVA SYNDROME II; Nijmegen breakage syndrome; Microcephaly with normal intelligence immunodeficiency and lymphoreticular malignancies. Identifiers: Orphanet 647, MedGen C0398791, MONDO:0009623, OMIM 251260.

Allele frequency attached by ClinVar (database versions not stated): gnomAD exomes below 0.00001; ExAC 0.00001; gnomAD 0.00001.

Submissions (6):

Labcorp Genetics (formerly Invitae), Labcorp
Classification: Likely benign for Microcephaly, normal intelligence and immunodeficiency. Last evaluated: 2025-07-29. Review status: criteria provided, single submitter. Criteria: Invitae Variant Classification Sherloc (09022015). Collection method: clinical testing. Allele origin: germline.

KCCC/NGS Laboratory, Kuwait Cancer Control Center
Classification: Benign for Microcephaly, normal intelligence and immunodeficiency. Last evaluated: 2025-02-01. Review status: criteria provided, single submitter. Criteria: ACMG Guidelines, 2015. Collection method: clinical testing. Allele origin: germline. Affected: no.

Women's Health and Genetics/Laboratory Corporation of America, LabCorp
Classification: Likely benign. Last evaluated: 2019-08-29. Review status: criteria provided, single submitter. Criteria: LabCorp Variant Classification Summary - May 2015. Collection method: clinical testing. Allele origin: germline.

GeneDx
Classification: Likely benign. Last evaluated: 2018-04-06. Review status: criteria provided, single submitter. Criteria: GeneDx Variant Classification (06012015). Collection method: clinical testing. Allele origin: germline. Affected: yes.
Comment: This variant is considered likely benign or benign based on one or more of the following criteria: it is a conservative change, it occurs at a poorly conserved position in the protein, it is predicted to be benign by multiple in silico algorithms, and/or has population frequency not consistent with disease.

Ambry Genetics
Classification: Likely benign for Hereditary cancer-predisposing syndrome. Last evaluated: 2015-04-13. Review status: criteria provided, single submitter. Criteria: Ambry Variant Classification Scheme 2023. Collection method: clinical testing. Allele origin: germline.

Natera, Inc.
Classification: Uncertain significance for Nijmegen breakage syndrome. Last evaluated: 2020-01-24. Review status: no assertion criteria provided. Collection method: clinical testing. Allele origin: germline. Not counted in ClinVar's aggregate classification.